The following is an entry in ClinVar:

NM_004304.5(ALK):c.4752C>T (p.Tyr1584=)

Gene: ALK (ALK receptor tyrosine kinase; minus strand). Cytogenetic location: 2p23.2.
Variant type: single nucleotide variant.
Coding change: c.4752C>T on transcript NM_004304.5 (MANE Select); coding-DNA position 4752, C replaced by T.
Protein change: p.Tyr1584=; no amino-acid change (tyrosine 1584 retained).
Molecular consequence: synonymous variant.
Genome position (GRCh38, 1-based): chr2:29,193,335, G>A on the plus strand (C>T on the coding strand, the complement: ALK is on the minus strand). VCF-style: chr2-29193335-G-A. GRCh37 (hg19) VCF-style: chr2-29416201-G-A.
Other names: c.1548C>T, p.Tyr516= (NM_001353765.2).
Identifiers: ClinVar variation 412939 (VCV000412939.38), dbSNP rs758556216, ClinGen allele CA1593491.

ClinVar aggregate classification (germline): Likely benign. Review status: criteria provided, multiple submitters, no conflicts (2 of 4 stars). 3 submissions from 3 submitters: Likely benign (3). Last evaluated 2025-07-09.

Conditions:
Hereditary cancer-predisposing syndrome. Also called: Tumor predisposition; Hereditary neoplastic syndrome; Hereditary Cancer Syndrome; Neoplastic Syndromes, Hereditary. Identifiers: Orphanet 140162, MedGen C0027672, MeSH D009386, MONDO:0015356.
Neuroblastoma, susceptibility to, 3. Also called: ALK-Related Neuroblastic Tumor Susceptibility. Identifiers: Orphanet 635, MedGen C2751681, MONDO:0013083, OMIM 613014.

Allele frequency attached by ClinVar (database versions not stated): TOPMed below 0.00001; ExAC 0.00001; gnomAD 0.00001; gnomAD exomes 0.00001 and 0.00002.
gnomAD v4.1: 24 of 1,614,078 alleles (0.0015%); highest among the groups gnomAD compares: Middle Eastern, 0.016%; no homozygotes.

Submissions (3):

Labcorp Genetics (formerly Invitae), Labcorp
Classification: Likely benign for Neuroblastoma, susceptibility to, 3. Last evaluated: 2025-07-09. Review status: criteria provided, single submitter. Criteria: Invitae Variant Classification Sherloc (09022015). Collection method: clinical testing. Allele origin: germline.

CeGaT Center for Human Genetics Tuebingen
Classification: Likely benign. Last evaluated: 2023-05-01. Review status: criteria provided, single submitter. Criteria: CeGaT Center For Human Genetics Tuebingen Variant Classification Criteria Version 2. Collection method: clinical testing. Allele origin: germline. Affected: yes. Observed: 2 variant alleles.
Comment: ALK: BP4, BP7

Ambry Genetics
Classification: Likely benign for Hereditary cancer-predisposing syndrome. Last evaluated: 2022-05-09. Review status: criteria provided, single submitter. Criteria: Ambry Variant Classification Scheme 2023. Collection method: clinical testing. Allele origin: germline.